The following is an entry in ClinVar:

NM_000059.4(BRCA2):c.8056C>G (p.Leu2686Val)

Gene: BRCA2 (BRCA2 DNA repair associated; plus strand). Cytogenetic location: 13q13.1.
Variant type: single nucleotide variant.
Coding change: c.8056C>G on transcript NM_000059.4 (MANE Select); coding-DNA position 8056, C replaced by G.
Protein change: p.Leu2686Val; replaces leucine 2686 with valine.
Molecular consequence: missense variant.
Genome position (GRCh38, 1-based): chr13:32,363,258, C>G. VCF-style: chr13-32363258-C-G. GRCh37 (hg19) VCF-style: chr13-32937395-C-G.
Other names: short protein forms L2686V.
Identifiers: ClinVar variation 409561 (VCV000409561.10), dbSNP rs397507960, ClinGen allele CA16613954.

ClinVar aggregate classification (germline): Conflicting classifications of pathogenicity. Review status: criteria provided, conflicting classifications (1 of 4 stars). 2 submissions from 2 submitters: Uncertain significance (1); Likely benign (1). Last evaluated 2025-06-24.

Conditions:
Hereditary breast ovarian cancer syndrome. Also called: Hereditary breast and ovarian cancer; Hereditary breast and/or ovarian cancer syndrome; BRCA1- and BRCA2-Associated Hereditary Breast and Ovarian Cancer; Hereditary breast and ovarian cancer syndrome; Hereditary breast and ovarian cancer syndrome (HBOC); Breast and ovarian cancer. Identifiers: Orphanet 145, MedGen C0677776, MeSH D061325, MONDO:0003582. Disease mechanism: loss of function.
Hereditary cancer-predisposing syndrome. Also called: Tumor predisposition; Hereditary Cancer Syndrome; Hereditary neoplastic syndrome; Neoplastic Syndromes, Hereditary. Identifiers: Orphanet 140162, MedGen C0027672, MeSH D009386, MONDO:0015356.

Allele frequency attached by ClinVar (database versions not stated): gnomAD exomes below 0.00001.
gnomAD v4.1: 1 of 1,614,118 alleles (0.000062%); highest among the groups gnomAD compares: Non-Finnish European, 0.000085%; no homozygotes.

Submissions (2):

Ambry Genetics
Classification: Likely benign for Hereditary cancer-predisposing syndrome. Last evaluated: 2025-06-24. Review status: criteria provided, single submitter. Criteria: Ambry Variant Classification Scheme 2023. Collection method: clinical testing. Allele origin: germline.

Labcorp Genetics (formerly Invitae), Labcorp
Classification: Uncertain significance for Hereditary breast ovarian cancer syndrome. Last evaluated: 2022-07-19. Review status: criteria provided, single submitter. Criteria: Invitae Variant Classification Sherloc (09022015). Collection method: clinical testing. Allele origin: germline.
Comment: This variant is present in population databases (no rsID available, gnomAD 0.0009%). In summary, the available evidence is currently insufficient to determine the role of this variant in disease. Therefore, it has been classified as a Variant of Uncertain Significance. This variant disrupts the p.2686 amino acid residue in BRCA2. Other variant(s) that disrupt this residue have been determined to be pathogenic (PMID: 10923033, 26740091). This suggests that this residue is clinically significant, and that variants that disrupt this residue are likely to be disease-causing. Algorithms developed to predict the effect of missense changes on protein structure and function are either unavailable or do not agree on the potential impact of this missense change (SIFT: "Deleterious"; PolyPhen-2: "Probably Damaging"; Align-GVGD: "Class C0"). ClinVar contains an entry for this variant (Variation ID: 409561). This variant has not been reported in the literature in individuals affected with BRCA2-related conditions. This sequence change replaces leucine, which is neutral and non-polar, with valine, which is neutral and non-polar, at codon 2686 of the BRCA2 protein (p.Leu2686Val).

Literature cited by the submitters: PubMed 10923033 (cited by Labcorp Genetics (formerly Invitae), Labcorp); PubMed 26740091 (cited by Labcorp Genetics (formerly Invitae), Labcorp).